The following is an entry in ClinVar:

NM_203447.4(DOCK8):c.5740A>G (p.Arg1914Gly)

Gene: DOCK8 (dedicator of cytokinesis 8; plus strand). Cytogenetic location: 9p24.3.
Variant type: single nucleotide variant.
Coding change: c.5740A>G on transcript NM_203447.4 (MANE Select); coding-DNA position 5740, A replaced by G.
Protein change: p.Arg1914Gly; replaces arginine 1914 with glycine.
Molecular consequence: missense variant.
Genome position (GRCh38, 1-based): chr9:446,529, A>G. VCF-style: chr9-446529-A-G. GRCh37 (hg19) VCF-style: chr9-446529-A-G.
Other names: c.5440A>G, p.Arg1814Gly (NM_001190458.2); c.5536A>G, p.Arg1846Gly (NM_001193536.2); short protein forms R1814G, R1846G, R1914G.
Identifiers: ClinVar variation 1713704 (VCV001713704.6), dbSNP rs2537470846, ClinGen allele CA372769108.

ClinVar aggregate classification (germline): Uncertain significance (1 of 4 stars; one submission).

Conditions:
Combined immunodeficiency due to DOCK8 deficiency (HIES2). Also called: Hyper-IgE recurrent infection syndrome, autosomal recessive; HYPER-IgE SYNDROME 2, AUTOSOMAL RECESSIVE, WITH RECURRENT INFECTIONS; HIES autosomal recessive; DOCK8 Deficiency; HYPER-IgE RECURRENT INFECTION SYNDROME 2, AUTOSOMAL RECESSIVE. Identifiers: Orphanet 217390, MedGen C4722305, MONDO:0009478, OMIM 243700.

gnomAD v4.1: 1 of 1,614,242 alleles (0.000062%); highest among the groups gnomAD compares: Non-Finnish European, 0.000085%; no homozygotes.

Submission:

Labcorp Genetics (formerly Invitae), Labcorp
Classification: Uncertain significance for Combined immunodeficiency due to DOCK8 deficiency. Last evaluated: 2022-07-24. Review status: criteria provided, single submitter. Criteria: Invitae Variant Classification Sherloc (09022015). Collection method: clinical testing. Allele origin: germline.
Comment: In summary, the available evidence is currently insufficient to determine the role of this variant in disease. Therefore, it has been classified as a Variant of Uncertain Significance. Algorithms developed to predict the effect of missense changes on protein structure and function are either unavailable or do not agree on the potential impact of this missense change (SIFT: "Deleterious"; PolyPhen-2: "Benign"; Align-GVGD: "Class C0"). This variant has not been reported in the literature in individuals affected with DOCK8-related conditions. This variant is not present in population databases (gnomAD no frequency). This sequence change replaces arginine, which is basic and polar, with glycine, which is neutral and non-polar, at codon 1914 of the DOCK8 protein (p.Arg1914Gly).